The following is an entry in ClinVar:

ClinVar aggregate classification (germline): Likely benign. Review status: criteria provided, single submitter (1 of 4 stars). 2 submissions from 2 submitters: Likely benign (1). 1 of the submissions does not count toward it. Last evaluated 2023-10-16.

Conditions:
ALPL-related disorder. Also called: ALPL-related disorders; ALPL-related condition.

Allele frequency attached by ClinVar (database versions not stated): gnomAD exomes below 0.00001.
gnomAD v4.1: 3 of 1,613,592 alleles (0.00019%); highest among the groups gnomAD compares: South Asian, 0.0022%; no homozygotes.

Submissions (2):

Labcorp Genetics (formerly Invitae), Labcorp
Classification: Likely benign. Last evaluated: 2023-10-16. Review status: criteria provided, single submitter. Criteria: Invitae Variant Classification Sherloc (09022015). Collection method: clinical testing. Allele origin: germline.

PreventionGenetics, part of Exact Sciences
Classification: Likely benign for ALPL-related condition. Last evaluated: 2021-08-25. Review status: no assertion criteria provided. Collection method: clinical testing. Allele origin: germline. Not counted in ClinVar's aggregate classification.
Comment: This variant is classified as likely benign based on ACMG/AMP sequence variant interpretation guidelines (Richards et al. 2015 PMID: 25741868, with internal and published modifications).

NM_000478.6(ALPL):c.435C>T (p.Asn145=)

Gene: ALPL (alkaline phosphatase, biomineralization associated; plus strand). Cytogenetic location: 1p36.12.
Variant type: single nucleotide variant.
Coding change: c.435C>T on transcript NM_000478.6 (MANE Select); coding-DNA position 435, C replaced by T.
Protein change: p.Asn145=; no amino-acid change (asparagine 145 retained).
Molecular consequence: synonymous variant.
Genome position (GRCh38, 1-based): chr1:21,563,247, C>T. VCF-style: chr1-21563247-C-T. GRCh37 (hg19) VCF-style: chr1-21889740-C-T.
Other names: c.435C>T (NM_000478.5); c.270C>T, p.Asn90= (NM_001127501.4); c.204C>T, p.Asn68= (NM_001177520.3); c.435C>T, p.Asn145= (NM_001369803.2, NM_001369804.2, NM_001369805.2).
Identifiers: ClinVar variation 1093489 (VCV001093489.11), dbSNP rs930415465, ClinGen allele CA19059355.
Genomic context (GRCh38, chr1:21,563,247, plus strand): 5'-GGGCACCGTGGGGGTAAGCGCAGCCACTGAGCGTTCCCGGTGCAACACCACCCAGGGGAA[C>T]GAGGTCACCTCCATCCTGCGCTGGGCCAAGGACGCTGGTGAGTCGGGGGAGCAGTGGGGA-3'
Protein context (NP_000469.3, residues 135-155): ERSRCNTTQG[Asn145=]EVTSILRWAK